The following is an entry in ClinVar:

NM_015272.5(RPGRIP1L):c.379G>A (p.Glu127Lys)

Gene: RPGRIP1L (RPGRIP1 like; minus strand). Cytogenetic location: 16q12.2.
Variant type: single nucleotide variant.
Coding change: c.379G>A on transcript NM_015272.5 (MANE Select); coding-DNA position 379, G replaced by A.
Protein change: p.Glu127Lys; replaces glutamic acid 127 with lysine.
Molecular consequence: missense variant.
Genome position (GRCh38, 1-based): chr16:53,692,216, C>T on the plus strand (G>A on the coding strand, the complement: RPGRIP1L is on the minus strand). VCF-style: chr16-53692216-C-T. GRCh37 (hg19) VCF-style: chr16-53726128-C-T.
Other names: c.379G>A, p.Glu127Lys (NM_001127897.4, NM_001308334.3, NM_001330538.2); c.379G>A (NM_015272.4); short protein forms E127K.
Identifiers: ClinVar variation 1425267 (VCV001425267.9), dbSNP rs2151352773, ClinGen allele CA395924939.

ClinVar aggregate classification (germline): Uncertain significance. Review status: criteria provided, single submitter (1 of 4 stars). 2 submissions from 2 submitters: Uncertain significance (1). 1 of the submissions does not count toward it. Last evaluated 2022-07-06.

Conditions:
RPGRIP1L-related disorder. Also called: RPGRIP1L-related condition; RPGRIP1L-related disorders. Identifiers: MedGen CN239416.
Joubert syndrome. Also called: Familial aplasia of the vermis; JOUBERT-BOLTSHAUSER SYNDROME. Identifiers: Orphanet 475, MedGen C5979921, MONDO:0018772.
Meckel-Gruber syndrome. Also called: Dysencephalia splachnocystica; DYSENCEPHALIA SPLANCHNOCYSTICA; GRUBER SYNDROME. Identifiers: Orphanet 564, MedGen C0265215, MONDO:0018921.

gnomAD v4.1: 3 of 1,614,088 alleles (0.00019%); highest among the groups gnomAD compares: Non-Finnish European, 0.00025%; no homozygotes.

Submissions (2):

Labcorp Genetics (formerly Invitae), Labcorp
Classification: Uncertain significance for Joubert syndrome; Meckel-Gruber syndrome. Last evaluated: 2022-07-06. Review status: criteria provided, single submitter. Criteria: Invitae Variant Classification Sherloc (09022015). Collection method: clinical testing. Allele origin: germline.
Comment: This sequence change replaces glutamic acid, which is acidic and polar, with lysine, which is basic and polar, at codon 127 of the RPGRIP1L protein (p.Glu127Lys). In summary, the available evidence is currently insufficient to determine the role of this variant in disease. Therefore, it has been classified as a Variant of Uncertain Significance. Algorithms developed to predict the effect of missense changes on protein structure and function are either unavailable or do not agree on the potential impact of this missense change (SIFT: "Deleterious"; PolyPhen-2: "Probably Damaging"; Align-GVGD: "Class C15"). ClinVar contains an entry for this variant (Variation ID: 1425267). This variant has not been reported in the literature in individuals affected with RPGRIP1L-related conditions. This variant is not present in population databases (gnomAD no frequency).

PreventionGenetics, part of Exact Sciences
Classification: Uncertain significance for RPGRIP1L-related condition. Last evaluated: 2024-05-17. Review status: no assertion criteria provided. Collection method: clinical testing. Allele origin: germline. Not counted in ClinVar's aggregate classification.
Comment: The RPGRIP1L c.379G>A variant is predicted to result in the amino acid substitution p.Glu127Lys. To our knowledge, this variant has not been reported in the literature or in a large population database, indicating this variant is rare. At this time, the clinical significance of this variant is uncertain due to the absence of conclusive functional and genetic evidence.